The following is an entry in ClinVar:

NM_004036.5(ADCY3):c.33_44dup (p.Ser21_Val22insAlaGluTyrSer)

Gene: ADCY3 (adenylate cyclase 3; minus strand). Cytogenetic location: 2p23.3.
Variant type: Duplication.
Coding change: c.33_44dup on transcript NM_004036.5 (MANE Select); coding-DNA positions 33 to 44, 12 bases duplicated (ATACTCGGCCGA).
Protein change: p.Ser21_Val22insAlaGluTyrSer.
Molecular consequence: inframe insertion.
Genome position (GRCh38, 1-based): chr2:24,918,944-24,918,955, TCGGCCGAGTAT duplicated on the plus strand (ATACTCGGCCGA on the coding strand, the reverse complement: ADCY3 is on the minus strand); duplicating any 12 consecutive bases within chr2:24,918,944-24,918,959 gives the same sequence; the c. name uses the placement nearest the transcript's 3' end. VCF-style (leftmost placement, unchanged base first): chr2-24918943-C-CTCGGCCGAGTAT. GRCh37 (hg19) VCF-style: chr2-25141812-C-CTCGGCCGAGTAT.
Other names: c.33_44dup, p.Ser21_Val22insAlaGluTyrSer (NM_001320613.2, NM_001377128.1, NM_001377129.1 and 2 more transcripts).
Identifiers: ClinVar variation 3346739 (VCV003346739.1).

ClinVar aggregate classification (germline): Uncertain significance (0 of 4 stars; one submission).

Conditions:
ADCY3-related disorder. Also called: ADCY3-related condition.

Submission:

PreventionGenetics, part of Exact Sciences
Classification: Uncertain significance for ADCY3-related condition. Last evaluated: 2024-05-10. Review status: no assertion criteria provided. Collection method: clinical testing. Allele origin: germline.
Comment: The ADCY3 c.33_44dup12 variant is predicted to result in an in-frame duplication (p.Ala18_Ser21dup). To our knowledge, this variant has not been reported in the literature or in a large population database, indicating this variant is rare. At this time, the clinical significance of this variant is uncertain due to the absence of conclusive functional and genetic evidence.